The following is an entry in ClinVar:

NM_152672.6(SLC51A):c.9G>A (p.Pro3=)

Gene: SLC51A (solute carrier family 51 member A; plus strand). Cytogenetic location: 3q29.
Variant type: single nucleotide variant.
Coding change: c.9G>A on transcript NM_152672.6 (MANE Select); coding-DNA position 9, G replaced by A.
Protein change: p.Pro3=; no amino-acid change (proline 3 retained).
Molecular consequence: synonymous variant.
Genome position (GRCh38, 1-based): chr3:196,216,721, G>A. VCF-style: chr3-196216721-G-A. GRCh37 (hg19) VCF-style: chr3-195943592-G-A.
Identifiers: ClinVar variation 3053923 (VCV003053923.2), dbSNP rs148913870, ClinGen allele CA2778853.
Genomic context (GRCh38, chr3:196,216,721, plus strand): 5'-GCCTGCCCTTCCTCACCCCGGTGCCTGCGGGATTGCTGGAGAGAACGCGGCGATGGAGCC[G>A]GGCAGGACCCAGATAAAGCTTGACCCCAGGTAAGTGAGGGCGGCGGGCCCTGGGCCAGTC-3'
Protein context (NP_689885.4, residues 1-13): ME[Pro3=]GRTQIKLDPR

ClinVar aggregate classification (germline): Likely benign (0 of 4 stars; one submission).

Conditions:
SLC51A-related disorder. Also called: SLC51A-related condition.

Allele frequency attached by ClinVar (database versions not stated): gnomAD exomes 0.00006; ESP Exome Variant Server 0.00023; 1000 Genomes Project 0.00100; gnomAD 0.00045; ExAC 0.00064; 1000 Genomes Project 30x 0.00094.
gnomAD v4.1: 156 of 1,575,280 alleles (0.0099%); highest among the groups gnomAD compares: African/African-American, 0.14%; 1 homozygote.

Submission:

PreventionGenetics, part of Exact Sciences
Classification: Likely benign for SLC51A-related condition. Last evaluated: 2023-01-31. Review status: no assertion criteria provided. Collection method: clinical testing. Allele origin: germline.
Comment: This variant is classified as likely benign based on ACMG/AMP sequence variant interpretation guidelines (Richards et al. 2015 PMID: 25741868, with internal and published modifications).